The following is an entry in ClinVar:

ClinVar aggregate classification (germline): Uncertain significance (0 of 4 stars; one submission).

Conditions:
SLC40A1-related disorder. Also called: SLC40A1-related condition.

gnomAD v4.1: 1 of 1,614,110 alleles (0.000062%); highest among the groups gnomAD compares: Non-Finnish European, 0.000085%; no homozygotes.

Submission:

PreventionGenetics, part of Exact Sciences
Classification: Uncertain significance for SLC40A1-related condition. Last evaluated: 2023-11-09. Review status: no assertion criteria provided. Collection method: clinical testing. Allele origin: germline.
Comment: The SLC40A1 c.1035G>T variant is predicted to result in the amino acid substitution p.Leu345Phe. To our knowledge, this variant has not been reported in the literature or in a large population database, indicating this variant is rare. At this time, the clinical significance of this variant is uncertain due to the absence of conclusive functional and genetic evidence.

NM_014585.6(SLC40A1):c.1035G>T (p.Leu345Phe)

Gene: SLC40A1 (solute carrier family 40 member 1; minus strand). Cytogenetic location: 2q32.2.
Variant type: single nucleotide variant.
Coding change: c.1035G>T on transcript NM_014585.6 (MANE Select); coding-DNA position 1035, G replaced by T.
Protein change: p.Leu345Phe; replaces leucine 345 with phenylalanine.
Molecular consequence: missense variant.
Genome position (GRCh38, 1-based): chr2:189,563,951, C>A on the plus strand (G>T on the coding strand, the complement: SLC40A1 is on the minus strand). VCF-style: chr2-189563951-C-A. GRCh37 (hg19) VCF-style: chr2-190428677-C-A.
Other names: short protein forms L345F.
Identifiers: ClinVar variation 3030688 (VCV003030688.2), dbSNP rs1436123615, ClinGen allele CA349987871.